The following is an entry in ClinVar:

NM_001286611.2(REPS1):c.940A>T (p.Thr314Ser)

Gene: REPS1 (RALBP1 associated Eps domain containing 1; minus strand). Cytogenetic location: 6q24.1.
Variant type: single nucleotide variant.
Coding change: c.940A>T on transcript NM_001286611.2 (MANE Select); coding-DNA position 940, A replaced by T.
Protein change: p.Thr314Ser; replaces threonine 314 with serine.
Molecular consequence: missense variant.
Genome position (GRCh38, 1-based): chr6:138,943,553, T>A on the plus strand (A>T on the coding strand, the complement: REPS1 is on the minus strand). VCF-style: chr6-138943553-T-A. GRCh37 (hg19) VCF-style: chr6-139264690-T-A.
Other names: c.940A>T, p.Thr314Ser (NM_001128617.3, NM_001286612.2, NM_031922.5); short protein forms T314S.
Identifiers: ClinVar variation 2998896 (VCV002998896.3), dbSNP rs146303733, ClinGen allele CA4024322.
Genomic context (GRCh38, chr6:138,943,553, plus strand): 5'-TAATGATATACCACACTTACCAAATATGAGAAAGTTCAAGAATAGGAAGTTTTGATTTTG[T>A]AAAAAACTCTTTAGCTGCAGATCCTGAAATATTAAAACAGTGTTGTTTAATGTTATTCTG-3'
Protein context (NP_001273540.1, residues 304-324): IPGSAAKEFF[Thr314Ser]KSKLPILELS

ClinVar aggregate classification (germline): Uncertain significance (1 of 4 stars; one submission).

Allele frequency attached by ClinVar (database versions not stated): gnomAD exomes below 0.00001; ExAC 0.00001; gnomAD 0.00003; TOPMed 0.00003; ESP Exome Variant Server 0.00015.
gnomAD v4.1: 9 of 1,590,282 alleles (0.00057%); highest among the groups gnomAD compares: African/African-American, 0.012%; no homozygotes.

Submission:

Labcorp Genetics (formerly Invitae), Labcorp
Classification: Uncertain significance. Last evaluated: 2022-12-29. Review status: criteria provided, single submitter. Criteria: Invitae Variant Classification Sherloc (09022015). Collection method: clinical testing. Allele origin: germline.
Comment: In summary, the available evidence is currently insufficient to determine the role of this variant in disease. Therefore, it has been classified as a Variant of Uncertain Significance. Advanced modeling of protein sequence and biophysical properties (such as structural, functional, and spatial information, amino acid conservation, physicochemical variation, residue mobility, and thermodynamic stability) performed at Invitae indicates that this missense variant is expected to disrupt REPS1 protein function. This variant has not been reported in the literature in individuals affected with REPS1-related conditions. This variant is present in population databases (rs146303733, gnomAD 0.02%). This sequence change replaces threonine, which is neutral and polar, with serine, which is neutral and polar, at codon 314 of the REPS1 protein (p.Thr314Ser).